The following is an entry in ClinVar:

ClinVar aggregate classification (germline): Uncertain significance (1 of 4 stars; one submission).

Conditions:
Cardiomyopathy (CMYO). Also called: Cardiomyopathies. Identifiers: Orphanet 167848, MedGen C0878544, MONDO:0004994, HP:0001638. Inheritance: Various modes of inheritance.

Submission:

Color Diagnostics, LLC DBA Color Health
Classification: Uncertain significance for Cardiomyopathy. Last evaluated: 2025-06-17. Review status: criteria provided, single submitter. Criteria: ACMG Guidelines, 2015. Collection method: clinical testing. Allele origin: germline.
Comment: This missense variant replaces methionine with threonine at codon 3528 of the RYR2 protein. Computational prediction is inconclusive regarding the impact of this variant on protein structure and function. To our knowledge, functional studies have not been reported for this variant. This variant has not been reported in individuals affected with RYR2-related disorders in the literature. This variant has not been identified in the general population by the Genome Aggregation Database (gnomAD). The available evidence is insufficient to determine the role of this variant in disease conclusively. Therefore, this variant is classified as a Variant of Uncertain Significance.

NM_001035.3(RYR2):c.10583T>C (p.Met3528Thr)

Gene: RYR2 (ryanodine receptor 2; plus strand). Cytogenetic location: 1q43.
Variant type: single nucleotide variant.
Coding change: c.10583T>C on transcript NM_001035.3 (MANE Select); coding-DNA position 10583, T replaced by C.
Protein change: p.Met3528Thr; replaces methionine 3528 with threonine.
Molecular consequence: missense variant.
Genome position (GRCh38, 1-based): chr1:237,723,156, T>C. VCF-style: chr1-237723156-T-C. GRCh37 (hg19) VCF-style: chr1-237886456-T-C.
Other names: short protein forms M3528T.
Identifiers: ClinVar variation 4757217 (VCV004757217.1).